The following is an entry in ClinVar:

NM_000426.4(LAMA2):c.9123C>T (p.Val3041=)

Gene: LAMA2 (laminin subunit alpha 2; plus strand). Cytogenetic location: 6q22.33.
Variant type: single nucleotide variant.
Coding change: c.9123C>T on transcript NM_000426.4 (MANE Select); coding-DNA position 9123, C replaced by T.
Protein change: p.Val3041=; no amino-acid change (valine 3041 retained).
Molecular consequence: synonymous variant.
Genome position (GRCh38, 1-based): chr6:129,514,507, C>T. VCF-style: chr6-129514507-C-T. GRCh37 (hg19) VCF-style: chr6-129835652-C-T.
Other names: p.Val3041=; c.9111C>T, p.Val3037= (NM_001079823.2).
Identifiers: ClinVar variation 129447 (VCV000129447.23), dbSNP rs61749497, ClinGen allele CA153463.

ClinVar aggregate classification (germline): Benign/Likely benign. Review status: criteria provided, multiple submitters, no conflicts (2 of 4 stars). 8 submissions from 8 submitters: Benign (5); Likely benign (2). 1 of the submissions does not count toward it. Last evaluated 2026-01-30.

Conditions:
LAMA2-related muscular dystrophy (LAMA2-RD). Also called: Laminin alpha 2-related dystrophy. Identifiers: MedGen C5679788, MONDO:0100228.
Congenital muscular dystrophy due to partial LAMA2 deficiency. Identifiers: MedGen C1842898.

Allele frequency attached by ClinVar (database versions not stated): gnomAD exomes 0.00077 and 0.00211; ExAC 0.00264; gnomAD 0.00795 and 0.00858; 1000 Genomes Project 0.00799; 1000 Genomes Project 30x 0.00859; TOPMed 0.00892; ESP Exome Variant Server 0.00969.
gnomAD v4.1: 2,429 of 1,614,084 alleles (0.15%); highest among the groups gnomAD compares: African/African-American, 2.8%; 28 homozygotes.

Submissions (8):

Labcorp Genetics (formerly Invitae), Labcorp
Classification: Benign for LAMA2-related muscular dystrophy. Last evaluated: 2026-01-30. Review status: criteria provided, single submitter. Criteria: Invitae Variant Classification Sherloc (09022015). Collection method: clinical testing. Allele origin: germline.

Athena Diagnostics
Classification: Benign. Last evaluated: 2018-10-16. Review status: criteria provided, single submitter. Criteria: Athena Diagnostics Criteria. Collection method: clinical testing. Allele origin: germline.

Mayo Clinic Laboratories, Mayo Clinic
Classification: Benign. Last evaluated: 2018-05-03. Review status: criteria provided, single submitter. Criteria: ACMG Guidelines, 2015. Collection method: clinical testing. Allele origin: germline. Observed: 22 variant alleles.

Illumina Laboratory Services, Illumina
Classification: Likely benign for Congenital muscular dystrophy due to partial LAMA2 deficiency. Last evaluated: 2018-01-13. Review status: criteria provided, single submitter. Criteria: ICSL Variant Classification Criteria 13 December 2019. Collection method: clinical testing. Allele origin: germline.
Comment: This variant was observed in the ICSL laboratory as part of a predisposition screen in an ostensibly healthy population. It had not been previously curated by ICSL or reported in the Human Gene Mutation Database (HGMD: prior to June 1st, 2018), and was therefore a candidate for classification through an automated scoring system. Utilizing variant allele frequency, disease prevalence and penetrance estimates, and inheritance mode, an automated score was calculated to assess if this variant is too frequent to cause the disease. Based on the score and internal cut-off values, a variant classified as likely benign is not then subjected to further curation. The score for this variant resulted in a classification of likely benign for this disease.

GeneDx
Classification: Benign. Last evaluated: 2016-09-29. Review status: criteria provided, single submitter. Criteria: GeneDx Variant Classification (06012015). Collection method: clinical testing. Allele origin: germline. Affected: yes.
Comment: This variant is considered likely benign or benign based on one or more of the following criteria: it is a conservative change, it occurs at a poorly conserved position in the protein, it is predicted to be benign by multiple in silico algorithms, and/or has population frequency not consistent with disease.

Breakthrough Genomics
Classification: Likely benign. Review status: criteria provided, single submitter. Criteria: ACMG Guidelines, 2015. Collection method: not provided. Allele origin: germline. Inheritance: Autosomal recessive inheritance. Affected: yes.

PreventionGenetics, part of Exact Sciences
Classification: Benign. Review status: criteria provided, single submitter. Criteria: ACMG Guidelines, 2015. Collection method: clinical testing. Allele origin: germline.

Genetic Services Laboratory, University of Chicago
Classification: Likely benign for AllHighlyPenetrant. Review status: no assertion criteria provided. Collection method: clinical testing. Allele origin: germline. Inheritance: Autosomal recessive inheritance. Not counted in ClinVar's aggregate classification.
Comment: Likely benign based on allele frequency in 1000 Genomes Project or ESP global frequency and its presence in a patient with a rare or unrelated disease phenotype. NOT Sanger confirmed.